The following is an entry in ClinVar:

NM_001379291.1(BRD4):c.3927C>T (p.Thr1309=)

Gene: BRD4 (bromodomain containing 4; minus strand). Cytogenetic location: 19p13.12.
Variant type: single nucleotide variant.
Coding change: c.3927C>T on transcript NM_001379291.1 (MANE Select); coding-DNA position 3927, C replaced by T.
Protein change: p.Thr1309=; no amino-acid change (threonine 1309 retained).
Molecular consequence: synonymous variant.
Genome position (GRCh38, 1-based): chr19:15,238,836, G>A on the plus strand (C>T on the coding strand, the complement: BRD4 is on the minus strand). VCF-style: chr19-15238836-G-A. GRCh37 (hg19) VCF-style: chr19-15349647-G-A.
Other names: c.3927C>T, p.Thr1309= (NM_058243.3).
Identifiers: ClinVar variation 710756 (VCV000710756.17), dbSNP rs61740415, ClinGen allele CA9264481.

ClinVar aggregate classification (germline): Benign. Review status: criteria provided, multiple submitters, no conflicts (2 of 4 stars). 4 submissions from 4 submitters: Benign (3). 1 of the submissions does not count toward it. Last evaluated 2026-08-01.

Conditions:
BRD4-related disorder. Also called: BRD4-related condition.

Allele frequency attached by ClinVar (database versions not stated): gnomAD exomes 0.00041 and 0.00094; ExAC 0.00146; ESP Exome Variant Server 0.00375; TOPMed 0.00383; gnomAD 0.00446; 1000 Genomes Project 0.00459; 1000 Genomes Project 30x 0.00547.
gnomAD v4.1: 1,229 of 1,603,344 alleles (0.077%); highest among the groups gnomAD compares: African/African-American, 1.4%; 19 homozygotes.

Submissions (4):

CeGaT Center for Human Genetics Tuebingen
Classification: Benign. Last evaluated: 2026-08-01. Review status: criteria provided, single submitter. Criteria: CeGaT Center For Human Genetics Tuebingen Variant Classification Criteria Version 2. Collection method: clinical testing. Allele origin: germline. Affected: yes. Observed: 3 variant alleles.
Comment: BRD4: BP4, BP7, BS1, BS2

Labcorp Genetics (formerly Invitae), Labcorp
Classification: Benign. Last evaluated: 2026-01-11. Review status: criteria provided, single submitter. Criteria: Invitae Variant Classification Sherloc (09022015). Collection method: clinical testing. Allele origin: germline.

Breakthrough Genomics
Classification: Benign. Review status: criteria provided, single submitter. Criteria: ACMG Guidelines, 2015. Collection method: not provided. Allele origin: germline. Inheritance: Unknown mechanism. Affected: yes.

PreventionGenetics, part of Exact Sciences
Classification: Benign for BRD4-related condition. Last evaluated: 2024-03-08. Review status: no assertion criteria provided. Collection method: clinical testing. Allele origin: germline. Not counted in ClinVar's aggregate classification.
Comment: This variant is classified as benign based on ACMG/AMP sequence variant interpretation guidelines (Richards et al. 2015 PMID: 25741868, with internal and published modifications).